The following is an entry in ClinVar:

NM_004523.4(KIF11):c.2664A>G (p.Glu888=)

Gene: KIF11 (kinesin family member 11; plus strand). Cytogenetic location: 10q23.33.
Variant type: single nucleotide variant.
Coding change: c.2664A>G on transcript NM_004523.4 (MANE Select); coding-DNA position 2664, A replaced by G.
Protein change: p.Glu888=; no amino-acid change (glutamic acid 888 retained).
Molecular consequence: synonymous variant.
Genome position (GRCh38, 1-based): chr10:92,648,328, A>G. VCF-style: chr10-92648328-A-G. GRCh37 (hg19) VCF-style: chr10-94408085-A-G.
Identifiers: ClinVar variation 748879 (VCV000748879.11), dbSNP rs147519860, ClinGen allele CA5604440.

ClinVar aggregate classification (germline): Benign/Likely benign. Review status: criteria provided, multiple submitters, no conflicts (2 of 4 stars). 3 submissions from 3 submitters: Benign (1); Likely benign (1). 1 of the submissions does not count toward it. Last evaluated 2025-10-29.

Conditions:
KIF11-related disorder. Also called: KIF11-related condition.

Allele frequency attached by ClinVar (database versions not stated): 1000 Genomes Project 30x 0.00016; 1000 Genomes Project 0.00020; ESP Exome Variant Server 0.00038; gnomAD 0.00056 and 0.00061; TOPMed 0.00057.
gnomAD v4.1: 171 of 1,612,436 alleles (0.011%); highest among the groups gnomAD compares: African/African-American, 0.2%; 2 homozygotes.

Submissions (3):

Labcorp Genetics (formerly Invitae), Labcorp
Classification: Benign. Last evaluated: 2025-10-29. Review status: criteria provided, single submitter. Criteria: Invitae Variant Classification Sherloc (09022015). Collection method: clinical testing. Allele origin: germline.

Blueprint Genetics
Classification: Likely benign. Last evaluated: 2024-05-02. Review status: criteria provided, single submitter. Criteria: ACMG Guidelines, 2015. Collection method: clinical testing. Allele origin: germline.

PreventionGenetics, part of Exact Sciences
Classification: Likely benign for KIF11-related condition. Last evaluated: 2024-09-05. Review status: no assertion criteria provided. Collection method: clinical testing. Allele origin: germline. Not counted in ClinVar's aggregate classification.
Comment: This variant is classified as likely benign based on ACMG/AMP sequence variant interpretation guidelines (Richards et al. 2015 PMID: 25741868, with internal and published modifications).